The following is an entry in ClinVar:

ClinVar aggregate classification (germline): Uncertain significance (1 of 4 stars; one submission).

Conditions:
Fanconi-Bickel syndrome (FBS). Also called: FANCONI SYNDROME WITH INTESTINAL MALABSORPTION AND GALACTOSE INTOLERANCE; HEPATIC GLYCOGENOSIS WITH AMINO ACIDURIA AND GLUCOSURIA; HEPATIC GLYCOGENOSIS WITH FANCONI NEPHROPATHY; HEPATORENAL GLYCOGENOSIS WITH RENAL FANCONI SYNDROME; PSEUDO-PHLORIZIN DIABETES; Glycogen storage disease due to GLUT2 deficiency. Identifiers: Orphanet 2088, MedGen C3495427, MONDO:0009216, OMIM 227810.

Submission:

Labcorp Genetics (formerly Invitae), Labcorp
Classification: Uncertain significance for Fanconi-Bickel syndrome. Last evaluated: 2025-08-05. Review status: criteria provided, single submitter. Criteria: Invitae Variant Classification Sherloc (09022015). Collection method: clinical testing. Allele origin: germline.
Comment: This sequence change replaces glycine, which is neutral and non-polar, with alanine, which is neutral and non-polar, at codon 25 of the SLC2A2 protein (p.Gly25Ala). This variant is not present in population databases (gnomAD no frequency). This variant has not been reported in the literature in individuals affected with SLC2A2-related conditions. Invitae Evidence Modeling of protein sequence and biophysical properties (such as structural, functional, and spatial information, amino acid conservation, physicochemical variation, residue mobility, and thermodynamic stability) indicates that this missense variant is expected to disrupt SLC2A2 protein function with a positive predictive value of 80%. In summary, the available evidence is currently insufficient to determine the role of this variant in disease. Therefore, it has been classified as a Variant of Uncertain Significance.

NM_000340.2(SLC2A2):c.74G>C (p.Gly25Ala)

Gene: SLC2A2 (solute carrier family 2 member 2; minus strand). Cytogenetic location: 3q26.2.
Variant type: single nucleotide variant.
Coding change: c.74G>C on transcript NM_000340.2 (MANE Select); coding-DNA position 74, G replaced by C.
Protein change: p.Gly25Ala; replaces glycine 25 with alanine.
Molecular consequence: missense variant. On other transcripts: 5 prime UTR variant (2).
Genome position (GRCh38, 1-based): chr3:171,018,565, C>G on the plus strand (G>C on the coding strand, the complement: SLC2A2 is on the minus strand). VCF-style: chr3-171018565-C-G. GRCh37 (hg19) VCF-style: chr3-170736354-C-G.
Other names: c.-21G>C (NM_001278658.2); c.-321G>C (NM_001278659.2); short protein forms G25A.
Identifiers: ClinVar variation 4804684 (VCV004804684.1).
Genomic context (GRCh38, chr3:171,018,565, plus strand): 5'-AGAGAACTTCTACATATTTCACTTGCCTGTTGAGGTGCATTGATCACACCAATGTCATAT[C>G]CAAACTGGAAGGAACCCAGCACAGCAGTGATGACAGTGAAAACCAGGGTCCCAGTGACCT-3'
Protein context (NP_000331.1, residues 15-35): ITAVLGSFQF[Gly25Ala]YDIGVINAPQ